The following is an entry in ClinVar:

ClinVar aggregate classification (germline): Pathogenic. Review status: criteria provided, multiple submitters, no conflicts (2 of 4 stars). 3 submissions from 3 submitters: Pathogenic (3). Last evaluated 2025-10-30.

Conditions:
Neurofibromatosis, type 1 (NF1). Also called: Peripheral type neurofibromatosis; VON RECKLINGHAUSEN DISEASE; NEUROFIBROMATOSIS, TYPE I, SOMATIC; Neurofibromatosis, type I. Identifiers: Orphanet 636, MedGen C0027831, MONDO:0018975, OMIM 162200. Disease mechanism: loss of function.
Cardiovascular phenotype. Identifiers: MedGen CN230736.
Hereditary cancer-predisposing syndrome. Also called: Tumor predisposition; Hereditary Cancer Syndrome; Hereditary neoplastic syndrome; Neoplastic Syndromes, Hereditary. Identifiers: Orphanet 140162, MedGen C0027672, MeSH D009386, MONDO:0015356.

Allele frequency attached by ClinVar (database versions not stated): gnomAD exomes below 0.00001.
gnomAD v4.1: 1 of 1,613,328 alleles (0.000062%); highest among the groups gnomAD compares: Non-Finnish European, 0.000085%; no homozygotes.

Submissions (3):

Ambry Genetics
Classification: Pathogenic for Cardiovascular phenotype; Hereditary cancer-predisposing syndrome. Last evaluated: 2025-10-30. Review status: criteria provided, single submitter. Criteria: Ambry Variant Classification Scheme 2023. Collection method: clinical testing. Allele origin: germline.
Comment: The c.1063-2A>C intronic pathogenic mutation results from an A to C substitution two nucleotides upstream from coding exon 10 in the NF1 gene. This variant was reported in individual(s) with features consistent with neurofibromatosis type 1 (NF1); in at least one individual, it was determined to be de novo (Bianchessi D et al. Mol Genet Genomic Med, 2015 Nov;3:513-25; Ambry internal data). This nucleotide position is highly conserved in available vertebrate species. In silico splice site analysis predicts that this alteration will weaken the native splice acceptor site and may result in the creation or strengthening of a novel splice acceptor site. RNA studies have demonstrated that this alteration results in abnormal splicing in the set of samples tested (Ambry internal data). Other variant(s) impacting the same acceptor site (c.1063-2A>G) have been shown to have a similar impact on splicing in individual(s) with features consistent with NF1 (Upadhyaya M et al. Hum Mutat, 2004 Feb;23:134-146; Ambry internal data). c.1063-2A>C is considered to be rare based on population cohorts in the Genome Aggregation Database (gnomAD). Based on the supporting evidence, this variant is interpreted as a disease-causing mutation.

GeneDx
Classification: Pathogenic. Last evaluated: 2022-12-13. Review status: criteria provided, single submitter. Criteria: GeneDx Variant Classification Process June 2021. Collection method: clinical testing. Allele origin: germline. Affected: yes.
Comment: Deletions involving coding exons of this gene are a known mechanism of disease (HGMD; other references); Canonical splice site variant expected to result in aberrant splicing, although in the absence of functional evidence the actual effect of this sequence change is unknown.; Not observed at significant frequency in large population cohorts (gnomAD); This variant is associated with the following publications: (PMID: 26740943, 31766501)

Labcorp Genetics (formerly Invitae), Labcorp
Classification: Pathogenic for Neurofibromatosis, type 1. Last evaluated: 2022-05-01. Review status: criteria provided, single submitter. Criteria: Invitae Variant Classification Sherloc (09022015). Collection method: clinical testing. Allele origin: germline.
Comment: For these reasons, this variant has been classified as Pathogenic. Algorithms developed to predict the effect of sequence changes on RNA splicing suggest that this variant may disrupt the consensus splice site. Disruption of this splice site has been observed in individual(s) with clinical features of neurofibromatosis type 1 (PMID: 14722917, 23913538, 26740943). This variant is not present in population databases (gnomAD no frequency). This sequence change affects an acceptor splice site in intron 9 of the NF1 gene. It is expected to disrupt RNA splicing. Variants that disrupt the donor or acceptor splice site typically lead to a loss of protein function (PMID: 16199547), and loss-of-function variants in NF1 are known to be pathogenic (PMID: 10712197, 23913538).

Literature cited by the submitters: PubMed 26740943 (cited by Ambry Genetics and Labcorp Genetics (formerly Invitae), Labcorp); PubMed 14722917 (cited by Labcorp Genetics (formerly Invitae), Labcorp); PubMed 23913538 (cited by Labcorp Genetics (formerly Invitae), Labcorp); PubMed 16199547 (cited by Labcorp Genetics (formerly Invitae), Labcorp); PubMed 10712197 (cited by Labcorp Genetics (formerly Invitae), Labcorp).

NM_001042492.3(NF1):c.1063-2A>C

Gene: NF1 (neurofibromin 1; plus strand). Cytogenetic location: 17q11.2.
Variant type: single nucleotide variant.
Coding change: c.1063-2A>C on transcript NM_001042492.3 (MANE Select); the canonical splice acceptor site of the intron before coding-DNA position 1063, A replaced by C.
Molecular consequence: splice acceptor variant.
Genome position (GRCh38, 1-based): chr17:31,201,035, A>C. VCF-style: chr17-31201035-A-C. GRCh37 (hg19) VCF-style: chr17-29528053-A-C.
Other names: c.1063-2A>C (NM_000267.3, NM_000267.4, NM_001128147.3).
Identifiers: ClinVar variation 2137957 (VCV002137957.6), dbSNP rs1060500358, ClinGen allele CA398996645.